The following is an entry in ClinVar:

ClinVar aggregate classification (germline): Uncertain significance (1 of 4 stars; one submission).

Allele frequency attached by ClinVar (database versions not stated): gnomAD 0.00001.
gnomAD v4.1: 1 of 1,613,126 alleles (0.000062%); highest among the groups gnomAD compares: African/African-American, 0.0013%; no homozygotes.

Submission:

Labcorp Genetics (formerly Invitae), Labcorp
Classification: Uncertain significance. Last evaluated: 2022-02-11. Review status: criteria provided, single submitter. Criteria: Invitae Variant Classification Sherloc (09022015). Collection method: clinical testing. Allele origin: germline.
Comment: In summary, the available evidence is currently insufficient to determine the role of this variant in disease. Therefore, it has been classified as a Variant of Uncertain Significance. This variant is not present in population databases (gnomAD no frequency). This sequence change replaces glycine, which is neutral and non-polar, with glutamic acid, which is acidic and polar, at codon 1632 of the ADGRV1 protein (p.Gly1632Glu). This variant has not been reported in the literature in individuals affected with ADGRV1-related conditions. Algorithms developed to predict the effect of missense changes on protein structure and function are either unavailable or do not agree on the potential impact of this missense change (SIFT: "Deleterious"; PolyPhen-2: "Probably Damaging"; Align-GVGD: "Class C15").

NM_032119.4(ADGRV1):c.4895G>A (p.Gly1632Glu)

Gene: ADGRV1 (adhesion G protein-coupled receptor V1; plus strand). Cytogenetic location: 5q14.3.
Variant type: single nucleotide variant.
Coding change: c.4895G>A on transcript NM_032119.4 (MANE Select); coding-DNA position 4895, G replaced by A.
Protein change: p.Gly1632Glu; replaces glycine 1632 with glutamic acid.
Molecular consequence: missense variant. On other transcripts: non-coding transcript variant (1).
Genome position (GRCh38, 1-based): chr5:90,672,688, G>A. VCF-style: chr5-90672688-G-A. GRCh37 (hg19) VCF-style: chr5-89968505-G-A.
Other names: short protein forms G1632E.
Identifiers: ClinVar variation 1973521 (VCV001973521.5), dbSNP rs1772654450, ClinGen allele CA360407136.